The following is an entry in ClinVar:

ClinVar aggregate classification (germline): Uncertain significance. Review status: criteria provided, multiple submitters, no conflicts (2 of 4 stars). 2 submissions from 2 submitters: Uncertain significance (2). Last evaluated 2025-02-05.

Conditions:
Autosomal recessive osteopetrosis 1. Also called: ALBERS-SCHONBERG DISEASE, AUTOSOMAL RECESSIVE; TCIRG1-Related Osteopetrosis; TCIRG1-Related Autosomal Recessive Osteopetrosis. Identifiers: Orphanet 667, MedGen C1850127, MONDO:0009815, OMIM 259700.

Allele frequency attached by ClinVar (database versions not stated): gnomAD exomes below 0.00001; ExAC 0.00001; TOPMed 0.00002; gnomAD 0.00003.
gnomAD v4.1: 8 of 1,610,046 alleles (0.0005%); highest among the groups gnomAD compares: Admixed American, 0.0017%; no homozygotes.

Submissions (2):

St. Jude Molecular Pathology, St. Jude Children's Research Hospital
Classification: Uncertain significance for Autosomal recessive osteopetrosis 1. Last evaluated: 2025-02-05. Review status: criteria provided, single submitter. Criteria: St. Jude Assertion Criteria 2020. Collection method: clinical testing. Allele origin: germline.
Comment: The TCIRG1 c.137C>G (p.Ala46Gly) missense change has a maximum subpopulation frequency of 0.0016% in gnomAD v2.1.1. The in silico tool REVEL is inconclusive about a pathogenic or benign effect of this variant on protein function, and to our knowledge functional studies have not been performed. To our knowledge this variant has not been reported in individuals with TCIRG1-associated severe congenital neutropenia. In summary, the evidence currently available is insufficient to determine the clinical significance of this variant. It has therefore been classified as of uncertain significance.

Labcorp Genetics (formerly Invitae), Labcorp
Classification: Uncertain significance. Last evaluated: 2022-03-12. Review status: criteria provided, single submitter. Criteria: Invitae Variant Classification Sherloc (09022015). Collection method: clinical testing. Allele origin: germline.
Comment: This sequence change replaces alanine, which is neutral and non-polar, with glycine, which is neutral and non-polar, at codon 46 of the TCIRG1 protein (p.Ala46Gly). This variant is present in population databases (rs746760136, gnomAD 0.002%). This variant has not been reported in the literature in individuals affected with TCIRG1-related conditions. Algorithms developed to predict the effect of missense changes on protein structure and function are either unavailable or do not agree on the potential impact of this missense change (SIFT: "Tolerated"; PolyPhen-2: "Probably Damaging"; Align-GVGD: "Class C0"). In summary, the available evidence is currently insufficient to determine the role of this variant in disease. Therefore, it has been classified as a Variant of Uncertain Significance.

NM_006019.4(TCIRG1):c.137C>G (p.Ala46Gly)

Gene: TCIRG1 (T cell immune regulator 1, ATPase H+ transporting V0 subunit a3; plus strand). Cytogenetic location: 11q13.2.
Variant type: single nucleotide variant.
Coding change: c.137C>G on transcript NM_006019.4 (MANE Select); coding-DNA position 137, C replaced by G.
Protein change: p.Ala46Gly; replaces alanine 46 with glycine.
Molecular consequence: missense variant. On other transcripts: 5 prime UTR variant (1).
Genome position (GRCh38, 1-based): chr11:68,041,772, C>G. VCF-style: chr11-68041772-C-G. GRCh37 (hg19) VCF-style: chr11-67809239-C-G.
Other names: c.-1113C>G (NM_001351059.2); short protein forms A46G.
Identifiers: ClinVar variation 2414157 (VCV002414157.4), dbSNP rs746760136, ClinGen allele CA6146668.